The following is an entry in ClinVar:

NM_030665.4(RAI1):c.3168T>G (p.Cys1056Trp)

Gene: RAI1 (retinoic acid induced 1; plus strand). Cytogenetic location: 17p11.2.
Variant type: single nucleotide variant.
Coding change: c.3168T>G on transcript NM_030665.4 (MANE Select); coding-DNA position 3168, T replaced by G.
Protein change: p.Cys1056Trp; replaces cysteine 1056 with tryptophan.
Molecular consequence: missense variant.
Genome position (GRCh38, 1-based): chr17:17,796,116, T>G. VCF-style: chr17-17796116-T-G. GRCh37 (hg19) VCF-style: chr17-17699430-T-G.
Other names: c.3168T>G (NM_030665.3); short protein forms C1056W.
Identifiers: ClinVar variation 1342387 (VCV001342387.2), dbSNP rs2143002559, ClinGen allele CA398553045.

ClinVar aggregate classification (germline): Uncertain significance. Review status: criteria provided, multiple submitters, no conflicts (2 of 4 stars). 2 submissions from 2 submitters: Uncertain significance (2). Last evaluated 2024-11-09.

Conditions:
Smith-Magenis syndrome (SMS). Also called: CHROMOSOME 17p11.2 DELETION SYNDROME. Identifiers: Orphanet 819, MedGen C0795864, MONDO:0008434, OMIM 182290.
RAI1-related disorder. Also called: RAI1-related condition.

Submissions (2):

PreventionGenetics, part of Exact Sciences
Classification: Uncertain significance for RAI1-related condition. Last evaluated: 2024-11-09. Review status: criteria provided, single submitter. Criteria: ACMG Guidelines, 2015. Collection method: clinical testing. Allele origin: germline.
Comment: The RAI1 c.3168T>G variant is predicted to result in the amino acid substitution p.Cys1056Trp. To our knowledge, this variant has not been reported in the literature or in a large population database (gnomAD), indicating this variant is rare. At this time, the clinical significance of this variant is uncertain due to the absence of conclusive functional and genetic evidence.

New York Genome Center
Classification: Uncertain significance for Smith-Magenis syndrome. Last evaluated: 2021-03-05. Review status: criteria provided, single submitter. Criteria: NYGC Assertion Criteria 2020. Collection method: clinical testing. Allele origin: inherited. Observed: 1 heterozygote. Study: CSER-NYCKidSeq.